The following is an entry in ClinVar:

NM_000548.5(TSC2):c.2552C>G (p.Ala851Gly)

Gene: TSC2 (TSC complex subunit 2; plus strand). Cytogenetic location: 16p13.3.
Variant type: single nucleotide variant.
Coding change: c.2552C>G on transcript NM_000548.5 (MANE Select); coding-DNA position 2552, C replaced by G.
Protein change: p.Ala851Gly; replaces alanine 851 with glycine.
Molecular consequence: missense variant.
Genome position (GRCh38, 1-based): chr16:2,075,805, C>G. VCF-style: chr16-2075805-C-G. GRCh37 (hg19) VCF-style: chr16-2125806-C-G.
Other names: c.2405C>G, p.Ala802Gly (NM_001318829.2, NM_001406675.1, NM_001406676.1 and 1 more transcripts); c.1952C>G, p.Ala651Gly (NM_001318831.2, NM_001406680.1, NM_001406682.1 and 6 more transcripts); c.2585C>G, p.Ala862Gly (NM_001318832.2); c.2552C>G, p.Ala851Gly (NM_001363528.2, NM_001370404.1, NM_001370405.1 and 6 more transcripts); c.2090C>G, p.Ala697Gly (NM_001406681.1); c.2441C>G, p.Ala814Gly (NM_001318827.2, NM_001406670.1, NM_001406678.1); c.2642C>G, p.Ala881Gly (NM_001406667.1, NM_001406668.1); c.2540C>G, p.Ala847Gly (NM_001406671.1, NM_001406673.1); and 3 more; short protein forms A317G, A403G, A651G, A697G, A802G, A814G, A832G, A847G.
Identifiers: ClinVar variation 1713806 (VCV001713806.5), dbSNP rs1596364874, ClinGen allele CA394278279.

ClinVar aggregate classification (germline): Uncertain significance (1 of 4 stars; one submission).

Conditions:
Tuberous sclerosis 2 (TSC2). Identifiers: Orphanet 805, MedGen C1860707, MONDO:0013199, OMIM 613254.

Submission:

Labcorp Genetics (formerly Invitae), Labcorp
Classification: Uncertain significance for Tuberous sclerosis 2. Last evaluated: 2022-07-25. Review status: criteria provided, single submitter. Criteria: Invitae Variant Classification Sherloc (09022015). Collection method: clinical testing. Allele origin: germline.
Comment: In summary, the available evidence is currently insufficient to determine the role of this variant in disease. Therefore, it has been classified as a Variant of Uncertain Significance. This sequence change replaces alanine, which is neutral and non-polar, with glycine, which is neutral and non-polar, at codon 851 of the TSC2 protein (p.Ala851Gly). This variant is not present in population databases (gnomAD no frequency). This variant has not been reported in the literature in individuals affected with TSC2-related conditions. Advanced modeling of protein sequence and biophysical properties (such as structural, functional, and spatial information, amino acid conservation, physicochemical variation, residue mobility, and thermodynamic stability) performed at Invitae indicates that this missense variant is not expected to disrupt TSC2 protein function.